The following is an entry in ClinVar:

ClinVar aggregate classification (germline): Uncertain significance. Review status: criteria provided, multiple submitters, no conflicts (2 of 4 stars). 2 submissions from 2 submitters: Uncertain significance (2). Last evaluated 2024-12-31.

Conditions:
SCAPER-related disorder. Also called: SCAPER-related condition.

gnomAD v4.1: 45 of 1,601,334 alleles (0.0028%); highest among the groups gnomAD compares: Admixed American, 0.0053%; no homozygotes.

Submissions (2):

PreventionGenetics, part of Exact Sciences
Classification: Uncertain significance for SCAPER-related condition. Last evaluated: 2024-12-31. Review status: criteria provided, single submitter. Criteria: ACMG Guidelines, 2015. Collection method: clinical testing. Allele origin: germline.
Comment: The SCAPER c.3880G>C variant is predicted to result in the amino acid substitution p.Val1294Leu. To our knowledge, this variant has not been reported in the literature. This variant is reported in 0.0048% of alleles in individuals of European (Non-Finnish) descent in gnomAD. At this time, the clinical significance of this variant is uncertain due to the absence of conclusive functional and genetic evidence.

Blueprint Genetics
Classification: Uncertain significance. Last evaluated: 2024-10-18. Review status: criteria provided, single submitter. Criteria: ACMG Guidelines, 2015. Collection method: clinical testing. Allele origin: germline.

NM_020843.4(SCAPER):c.3862G>C (p.Val1288Leu)

Gene: SCAPER (S-phase cyclin A associated protein in the ER; minus strand). Cytogenetic location: 15q24.3.
Variant type: single nucleotide variant.
Coding change: c.3862G>C on transcript NM_020843.4 (MANE Select); coding-DNA position 3862, G replaced by C.
Protein change: p.Val1288Leu; replaces valine 1288 with leucine.
Molecular consequence: missense variant. On other transcripts: non-coding transcript variant (1).
Genome position (GRCh38, 1-based): chr15:76,354,134, C>G on the plus strand (G>C on the coding strand, the complement: SCAPER is on the minus strand). VCF-style: chr15-76354134-C-G. GRCh37 (hg19) VCF-style: chr15-76646475-C-G.
Other names: c.3880G>C (NM_001353009.1); c.3124G>C, p.Val1042Leu (NM_001145923.2); c.3880G>C, p.Val1294Leu (NM_001353009.2); c.3460G>C, p.Val1154Leu (NM_001353010.2, NM_001353012.2); c.3478G>C, p.Val1160Leu (NM_001353011.2); short protein forms V1294L, V1042L, V1160L, V1288L, V1154L.
Identifiers: ClinVar variation 4925920 (VCV004925920.2).